The following is an entry in ClinVar:

NM_000271.5(NPC1):c.741_742del (p.Cys247fs)

Gene: NPC1 (NPC intracellular cholesterol transporter 1; minus strand). Cytogenetic location: 18q11.2.
Variant type: Microsatellite.
Coding change: c.741_742del on transcript NM_000271.5 (MANE Select); coding-DNA positions 741 to 742, 2 bases deleted (TG; older notation c.741_742delTG).
Protein change: p.Cys247fs; shifts the reading frame from cysteine 247.
Molecular consequence: frameshift variant.
Genome position (GRCh38, 1-based): chr18:23,560,370-23,560,371, CA deleted on the plus strand (TG on the coding strand, the reverse complement: NPC1 is on the minus strand); deleting any 2 consecutive bases within chr18:23,560,370-23,560,373 gives the same sequence; the c. name uses the placement nearest the transcript's 3' end. VCF-style (leftmost placement, unchanged base first): chr18-23560369-CCA-C. GRCh37 (hg19) VCF-style: chr18-21140333-CCA-C.
Other names: short protein forms C247fs.
Identifiers: ClinVar variation 2767762 (VCV002767762.3), dbSNP rs2511302955, ClinGen allele CA2697555342.

ClinVar aggregate classification (germline): Pathogenic (1 of 4 stars; one submission).

Conditions:
Niemann-Pick disease, type C1. Also called: NEUROVISCERAL STORAGE DISEASE WITH VERTICAL SUPRANUCLEAR OPHTHALMOPLEGIA; NIEMANN-PICK DISEASE WITH CHOLESTEROL ESTERIFICATION BLOCK; NIEMANN-PICK DISEASE WITHOUT SPHINGOMYELINASE DEFICIENCY; NIEMANN-PICK DISEASE, CHRONIC NEURONOPATHIC FORM; NIEMANN-PICK DISEASE, VARIANT TYPE C1. Identifiers: Orphanet 646, MedGen C3179455, MONDO:0009757, OMIM 257220.

Submission:

Labcorp Genetics (formerly Invitae), Labcorp
Classification: Pathogenic for Niemann-Pick disease, type C1. Last evaluated: 2023-10-12. Review status: criteria provided, single submitter. Criteria: Invitae Variant Classification Sherloc (09022015). Collection method: clinical testing. Allele origin: germline.
Comment: This sequence change creates a premature translational stop signal (p.Cys247Trpfs*60) in the NPC1 gene. It is expected to result in an absent or disrupted protein product. Loss-of-function variants in NPC1 are known to be pathogenic (PMID: 9211850). This variant is not present in population databases (gnomAD no frequency). This variant has not been reported in the literature in individuals affected with NPC1-related conditions. For these reasons, this variant has been classified as Pathogenic.

Literature cited by the submitters: PubMed 9211850.